The following is an entry in ClinVar:

ClinVar aggregate classification (germline): Uncertain significance (1 of 4 stars; one submission).

Submission:

Labcorp Genetics (formerly Invitae), Labcorp
Classification: Uncertain significance. Last evaluated: 2025-10-14. Review status: criteria provided, single submitter. Criteria: Invitae Variant Classification Sherloc (09022015). Collection method: clinical testing. Allele origin: germline.
Comment: This sequence change falls in intron 18 of the CLCN6 gene. It does not directly change the encoded amino acid sequence of the CLCN6 protein. It affects a nucleotide within the consensus splice site. This variant is not present in population databases (gnomAD no frequency). This variant has not been reported in the literature in individuals affected with CLCN6-related conditions. Variants that disrupt the consensus splice site are a relatively common cause of aberrant splicing (PMID: 17576681, 9536098). Algorithms developed to predict the effect of sequence changes on RNA splicing suggest that this variant is not likely to affect RNA splicing. In summary, the available evidence is currently insufficient to determine the role of this variant in disease. Therefore, it has been classified as a Variant of Uncertain Significance.

Literature cited by the submitters: PubMed 17576681; PubMed 9536098.

NM_001286.5(CLCN6):c.1980+5A>T

Gene: CLCN6 (Cl-/H+ antiporter 6; plus strand). Cytogenetic location: 1p36.22.
Variant type: single nucleotide variant.
Coding change: c.1980+5A>T on transcript NM_001286.5 (MANE Select); 5 bases into the intron after coding-DNA position 1980, A replaced by T.
Molecular consequence: intron variant.
Genome position (GRCh38, 1-based): chr1:11,836,158, A>T. VCF-style: chr1-11836158-A-T. GRCh37 (hg19) VCF-style: chr1-11896215-A-T.
Other names: c.1914+5A>T (NM_001256959.2).
Identifiers: ClinVar variation 4810797 (VCV004810797.1).
Genomic context (GRCh38, chr1:11,836,158, plus strand): 5'-ACGAGAAGGAGTTCATGAAGGGCAACCAGCTCATCAGCAACAACATCAAGTTCAAGGTAA[A>T]GAAAACGGCATGAGAGGAAAGGCAGGTGAGAGACAAGCGGTCCCGTCTCACACGGCTTAG-3'